The following is an entry in ClinVar:

NM_004813.4(PEX16):c.149-21A>G

Gene: PEX16 (peroxisomal biogenesis factor 16; minus strand). Cytogenetic location: 11p11.2.
Variant type: single nucleotide variant.
Coding change: c.149-21A>G on transcript NM_004813.4 (MANE Select); 21 bases into the intron before coding-DNA position 149, A replaced by G.
Molecular consequence: intron variant.
Genome position (GRCh38, 1-based): chr11:45,916,324, T>C on the plus strand (A>G on the coding strand, the complement: PEX16 is on the minus strand). VCF-style: chr11-45916324-T-C. GRCh37 (hg19) VCF-style: chr11-45937875-T-C.
Other names: p.?; c.149-21A>G (NM_057174.3).
Identifiers: ClinVar variation 4683610 (VCV004683610.1).
Genomic context (GRCh38, chr11:45,916,324, plus strand): 5'-CCGTCATTGAGCAGCACAAGCAGGTTAGAGGCAGAGTACACTGAGGGGTAGAGAGTGGCC[T>C]TGAGAGGCTGGCTCTGCAGCCTCCATCCCTCTCACCTTCTCCCCAGAGCTGCAGGGATCA-3'

ClinVar aggregate classification (germline): Likely benign (1 of 4 stars; one submission).

Submission:

Mayo Clinic Laboratories, Mayo Clinic
Classification: Likely benign. Last evaluated: 2025-07-15. Review status: criteria provided, single submitter. Criteria: ACMG Guidelines, 2015. Collection method: clinical testing. Allele origin: germline. Observed: 2 variant alleles.
Comment: BP4, BP7